The following is an entry in ClinVar:

ClinVar aggregate classification (germline): Likely benign. Review status: criteria provided, multiple submitters, no conflicts (2 of 4 stars). 3 submissions from 3 submitters: Likely benign (2). 1 of the submissions does not count toward it. Last evaluated 2024-11-05.

Conditions:
IFT172-related disorder. Also called: IFT172-related condition; IFT172-related disorders.
Retinitis pigmentosa 71 (RP71). Identifiers: Orphanet 791, MedGen C4225342, MONDO:0014618, OMIM 616394.
Short-rib thoracic dysplasia 10 with or without polydactyly (SRTD10). Identifiers: Orphanet 474, MedGen C3810175, MONDO:0014284, OMIM 615630.

Allele frequency attached by ClinVar (database versions not stated): gnomAD exomes below 0.00001.
gnomAD v4.1: 5 of 1,613,034 alleles (0.00031%); highest among the groups gnomAD compares: African/African-American, 0.004%; no homozygotes.

Submissions (3):

Labcorp Genetics (formerly Invitae), Labcorp
Classification: Likely benign for Retinitis pigmentosa 71; Short-rib thoracic dysplasia 10 with or without polydactyly. Last evaluated: 2024-11-05. Review status: criteria provided, single submitter. Criteria: Invitae Variant Classification Sherloc (09022015). Collection method: clinical testing. Allele origin: germline.

Blueprint Genetics
Classification: Likely benign. Last evaluated: 2020-10-23. Review status: criteria provided, single submitter. Criteria: ACMG Guidelines, 2015. Collection method: clinical testing. Allele origin: germline.

PreventionGenetics, part of Exact Sciences
Classification: Likely benign for IFT172-related condition. Last evaluated: 2023-01-05. Review status: no assertion criteria provided. Collection method: clinical testing. Allele origin: germline. Not counted in ClinVar's aggregate classification.
Comment: This variant is classified as likely benign based on ACMG/AMP sequence variant interpretation guidelines (Richards et al. 2015 PMID: 25741868, with internal and published modifications).

NM_015662.3(IFT172):c.2194-10G>T

Gene: IFT172 (intraflagellar transport 172; minus strand). Cytogenetic location: 2p23.3.
Variant type: single nucleotide variant.
Coding change: c.2194-10G>T on transcript NM_015662.3 (MANE Select); 10 bases into the intron before coding-DNA position 2194, G replaced by T.
Molecular consequence: intron variant.
Genome position (GRCh38, 1-based): chr2:27,461,527, C>A on the plus strand (G>T on the coding strand, the complement: IFT172 is on the minus strand). VCF-style: chr2-27461527-C-A. GRCh37 (hg19) VCF-style: chr2-27684394-C-A.
Other names: c.2194-10G>T (NM_015662.2).
Identifiers: ClinVar variation 1100655 (VCV001100655.11), dbSNP rs1666669350, ClinGen allele CA1240290039.